The following is an entry in ClinVar:

GRCh38/hg38 18q22.1-23(chr18:64950938-80252149)x1

Genes: MBP (myelin basic protein; minus strand), MBP-AS1 (MBP antisense RNA 1; plus strand), MIR5011 (microRNA 5011; plus strand), MIR548AV (microRNA 548av; minus strand), NETO1 (neuropilin and tolloid like 1; minus strand) and 301 more. Cytogenetic location: 18q22.1-23.
Variant type: copy number loss.
Change: copy number 1 (one copy instead of two) of chr18:64,950,938-80,252,149 (15.30 Mb, GRCh38 coordinates, 1-based), cytogenetic band 18q22.1-23.
Identifiers: ClinVar variation 57306 (VCV000057306.1).

ClinVar aggregate classification (germline): Pathogenic (1 of 4 stars; one submission).

Submission:

ISCA site 4
Classification: Pathogenic. Last evaluated: 2011-08-12. Review status: criteria provided, single submitter. Criteria: Kaminsky et al. (Genet Med. 2011). Collection method: clinical testing. Allele origin: unknown. Affected: yes. Observed: 1 variant allele.
Comment: Copy number variation identified through the course of routine clinical cytogenomic testing in postnatal populations. Clinical assertions have been curated as described in Kaminsky et al. 2011.